The following is an entry in ClinVar:

ClinVar aggregate classification (germline): Conflicting classifications of pathogenicity. Review status: criteria provided, conflicting classifications (1 of 4 stars). 3 submissions from 3 submitters: Uncertain significance (1); Likely benign (2). Last evaluated 2025-09-19.

Conditions:
Developmental and epileptic encephalopathy, 73. Also called: EPILEPTIC ENCEPHALOPATHY, EARLY INFANTILE, 73; Rnf13-related severe early-onset epileptic encephalopathy. Identifiers: Orphanet 544503, MedGen C5193065, MONDO:0034106, OMIM 618379.

Submissions (3):

Labcorp Genetics (formerly Invitae), Labcorp
Classification: Likely benign. Last evaluated: 2025-09-19. Review status: criteria provided, single submitter. Criteria: Invitae Variant Classification Sherloc (09022015). Collection method: clinical testing. Allele origin: germline.

CeGaT Center for Human Genetics Tuebingen
Classification: Likely benign. Last evaluated: 2025-08-01. Review status: criteria provided, single submitter. Criteria: CeGaT Center For Human Genetics Tuebingen Variant Classification Criteria Version 2. Collection method: clinical testing. Allele origin: germline. Affected: yes. Observed: 1 variant allele.
Comment: RNF13: PM4:Supporting, BS2

Neuberg Centre For Genomic Medicine, NCGM
Classification: Uncertain significance for Developmental and epileptic encephalopathy, 73. Review status: criteria provided, single submitter. Criteria: ACMG Guidelines, 2015. Collection method: clinical testing. Allele origin: germline. Inheritance: Autosomal dominant inheritance. Affected: yes.

NM_183381.3(RNF13):c.1089_1091del (p.Val365del)

Gene: RNF13 (ring finger protein 13; plus strand). Cytogenetic location: 3q25.1.
Variant type: Deletion.
Coding change: c.1089_1091del on transcript NM_183381.3 (MANE Select); coding-DNA positions 1089 to 1091, 3 bases deleted (CGT; older notation c.1089_1091delCGT).
Protein change: p.Val365del; deletes valine 365.
Molecular consequence: inframe deletion. On other transcripts: non-coding transcript variant (1).
Genome position (GRCh38, 1-based): chr3:149,961,047-149,961,049, CGT deleted; deleting any 3 consecutive bases within chr3:149,961,045-149,961,049 gives the same sequence; the c. name uses the placement nearest the transcript's 3' end. VCF-style (leftmost placement, unchanged base first): chr3-149961044-TGTC-T. GRCh37 (hg19) VCF-style: chr3-149678831-TGTC-T.
Other names: c.1089_1091del, p.Val365del (NM_001378285.1, NM_001378286.1, NM_007282.4); c.732_734del, p.Val246del (NM_001378287.1, NM_001378288.1, NM_001378289.1 and 2 more transcripts); c.696_698del, p.Val234del (NM_001378291.1); short protein forms V234del, V246del, V365del.
Identifiers: ClinVar variation 1357240 (VCV001357240.14), dbSNP rs368558129, ClinGen allele CA2663161.